The following is an entry in ClinVar:

NM_003321.5(TUFM):c.820C>T (p.Arg274Cys)

Gene: TUFM (Tu translation elongation factor, mitochondrial; minus strand). Cytogenetic location: 16p11.2.
Variant type: single nucleotide variant.
Coding change: c.820C>T on transcript NM_003321.5 (MANE Select); coding-DNA position 820, C replaced by T.
Protein change: p.Arg274Cys; replaces arginine 274 with cysteine.
Molecular consequence: missense variant.
Genome position (GRCh38, 1-based): chr16:28,844,332, G>A on the plus strand (C>T on the coding strand, the complement: TUFM is on the minus strand). VCF-style: chr16-28844332-G-A. GRCh37 (hg19) VCF-style: chr16-28855653-G-A.
Other names: c.820C>T, p.Arg274Cys (NM_001365360.2); short protein forms R274C.
Identifiers: ClinVar variation 1303007 (VCV001303007.2), dbSNP rs751872107, ClinGen allele CA7985516.
Genomic context (GRCh38, chr16:28,844,332, plus strand): 5'-CACACTCGTCTCCCTTCTTTAAAATGCCACGCTCTAGTGTACCTGTCACCACGGTGCCAC[G>A]GCCTGGGAGGGAATAAGACAGGATATCAGGGACCCCGAGCTAGGCTTCTGCTAGAGAGAG-3'
Protein context (NP_003312.3, residues 264-284): PVEAVYSVPG[Arg274Cys]GTVVTGTLER

ClinVar aggregate classification (germline): Uncertain significance (1 of 4 stars; one submission).

Allele frequency attached by ClinVar (database versions not stated): TOPMed below 0.00001; gnomAD 0.00001 and 0.00002; ExAC 0.00002.

Submission:

GeneDx
Classification: Uncertain significance. Last evaluated: 2021-04-22. Review status: criteria provided, single submitter. Criteria: GeneDx Variant Classification Process June 2021. Collection method: clinical testing. Allele origin: germline. Affected: yes.
Comment: Not observed at a significant frequency in large population cohorts (Lek et al., 2016); In silico analysis, which includes protein predictors and evolutionary conservation, supports a deleterious effect; Has not been previously published as pathogenic or benign to our knowledge